The following is an entry in ClinVar:

ClinVar aggregate classification (germline): Uncertain significance (1 of 4 stars; one submission).

gnomAD v4.1: 1 of 1,269,860 alleles (0.000079%); highest among the groups gnomAD compares: Non-Finnish European, 0.0001%; no homozygotes.

Submission:

Labcorp Genetics (formerly Invitae), Labcorp
Classification: Uncertain significance. Last evaluated: 2025-05-08. Review status: criteria provided, single submitter. Criteria: Invitae Variant Classification Sherloc (09022015). Collection method: clinical testing. Allele origin: germline.
Comment: This sequence change replaces glutamic acid, which is acidic and polar, with lysine, which is basic and polar, at codon 121 of the KMT2B protein (p.Glu121Lys). This variant is not present in population databases (gnomAD no frequency). This variant has not been reported in the literature in individuals affected with KMT2B-related conditions. Experimental studies and prediction algorithms are not available or were not evaluated, and the functional significance of this variant is currently unknown. In summary, the available evidence is currently insufficient to determine the role of this variant in disease. Therefore, it has been classified as a Variant of Uncertain Significance.

NM_014727.3(KMT2B):c.361G>A (p.Glu121Lys)

Gene: KMT2B (lysine methyltransferase 2B; plus strand). Cytogenetic location: 19q13.12.
Variant type: single nucleotide variant.
Coding change: c.361G>A on transcript NM_014727.3 (MANE Select); coding-DNA position 361, G replaced by A.
Protein change: p.Glu121Lys; replaces glutamic acid 121 with lysine.
Molecular consequence: missense variant.
Genome position (GRCh38, 1-based): chr19:35,718,379, G>A. VCF-style: chr19-35718379-G-A. GRCh37 (hg19) VCF-style: chr19-36209281-G-A.
Other names: short protein forms E121K.
Identifiers: ClinVar variation 4759842 (VCV004759842.1).
Genomic context (GRCh38, chr19:35,718,379, plus strand): 5'-TGGGGCCCGAGTCGAGGCTGCGTGCCGGAGGAGGAGAGCAGTGACGGGGAATCCGACGAG[G>A]AGGTGAGGCGGTTGGAGGCGTCCCCGGCGCCGGGTGGGGCGGAGGCCGGGGCTTCCAGGG-3'
Protein context (NP_055542.1, residues 111-131): EESSDGESDE[Glu121Lys]EFQGFHSDED